The following is an entry in ClinVar:

ClinVar aggregate classification (germline): Uncertain significance. Review status: criteria provided, multiple submitters, no conflicts (2 of 4 stars). 3 submissions from 3 submitters: Uncertain significance (3). Last evaluated 2025-12-01.

Conditions:
Microphthalmia with brain and digit anomalies (MCOPS6). Also called: MICROPHTHALMIA AND PITUITARY ANOMALIES; Microphthalmia, syndromic 6. Identifiers: Orphanet 139471, MedGen C1864689, MONDO:0011936, OMIM 607932.
Orofacial cleft 11 (OFC11). Also called: CLEFT LIP WITH OR WITHOUT CLEFT PALATE, NONSYNDROMIC, 11; Orofacial cleft 11; ofc11. Identifiers: MedGen C2677434, MONDO:0010906, OMIM 600625.

Allele frequency attached by ClinVar (database versions not stated): ExAC 0.00001; gnomAD 0.00001 and 0.00003; gnomAD exomes 0.00001; TOPMed 0.00002; 1000 Genomes Project 0.00020; 1000 Genomes Project 30x 0.00047.
gnomAD v4.1: 30 of 1,604,382 alleles (0.0019%); highest among the groups gnomAD compares: East Asian, 0.022%; no homozygotes.

Submissions (3):

Labcorp Genetics (formerly Invitae), Labcorp
Classification: Uncertain significance for Microphthalmia with brain and digit anomalies; Orofacial cleft 11. Last evaluated: 2025-12-01. Review status: criteria provided, single submitter. Criteria: Invitae Variant Classification Sherloc (09022015). Collection method: clinical testing. Allele origin: germline.
Comment: This sequence change replaces threonine, which is neutral and polar, with alanine, which is neutral and non-polar, at codon 102 of the BMP4 protein (p.Thr102Ala). The frequency data for this variant in the population databases is considered unreliable, as metrics indicate poor data quality at this position in the gnomAD database. This missense change has been observed in individual(s) with clinical features of BMP4-related conditions (PMID: 19249007). ClinVar contains an entry for this variant (Variation ID: 287071). An algorithm developed to predict the effect of missense changes on protein structure and function outputs the following: PolyPhen-2: "Benign". The alanine amino acid residue is found in multiple mammalian species, which suggests that this missense change does not adversely affect protein function. In summary, the available evidence is currently insufficient to determine the role of this variant in disease. Therefore, it has been classified as a Variant of Uncertain Significance.

Fulgent Genetics
Classification: Uncertain significance for Orofacial cleft 11; Microphthalmia with brain and digit anomalies. Last evaluated: 2024-02-24. Review status: criteria provided, single submitter. Criteria: ACMG Guidelines, 2015. Collection method: clinical testing. Allele origin: germline.

Eurofins Ntd Llc (ga)
Classification: Uncertain significance. Last evaluated: 2016-03-21. Review status: criteria provided, single submitter. Criteria: EGL Classification Definitions 2015. Collection method: clinical testing. Allele origin: germline. Observed: 1 variant allele, 1 heterozygote.

Literature cited by the submitters: PubMed 19249007 (cited by Labcorp Genetics (formerly Invitae), Labcorp and Eurofins Ntd Llc (ga)).

NM_001202.6(BMP4):c.304A>G (p.Thr102Ala)

Gene: BMP4 (bone morphogenetic protein 4; minus strand). Cytogenetic location: 14q22.2.
Variant type: single nucleotide variant.
Coding change: c.304A>G on transcript NM_001202.6 (MANE Select); coding-DNA position 304, A replaced by G.
Protein change: p.Thr102Ala; replaces threonine 102 with alanine.
Molecular consequence: missense variant.
Genome position (GRCh38, 1-based): chr14:53,951,919, T>C on the plus strand (A>G on the coding strand, the complement: BMP4 is on the minus strand). VCF-style: chr14-53951919-T-C. GRCh37 (hg19) VCF-style: chr14-54418637-T-C.
Other names: c.445A>G, p.Thr149Ala (NM_001347912.1); c.115A>G, p.Thr39Ala (NM_001347913.2, NM_001347915.2, NM_001347917.1); c.304A>G, p.Thr102Ala (NM_001347914.2, NM_001347916.1, NM_130850.5 and 1 more transcripts); short protein forms T102A, T149A, T39A.
Identifiers: ClinVar variation 287071 (VCV000287071.8), dbSNP rs202159001, ClinGen allele CA7191798.
Genomic context (GRCh38, chr14:53,951,919, plus strand): 5'-GGTGGAAGCTCCTCACGGTGTTGGCCCGGCTGGCCGGGCGCTCAGGATACTCAAGACCAG[T>C]GCTGTGGATCTGCTCTTCCTCCTCCTCCCCAGACTGAAGCCGGTAAAGATCCCGCATGTA-3'
Protein context (NP_001193.2, residues 92-112): GEEEEEQIHS[Thr102Ala]GLEYPERPAS